The following is an entry in ClinVar:

ClinVar aggregate classification (germline): Uncertain significance. Review status: criteria provided, multiple submitters, no conflicts (2 of 4 stars). 3 submissions from 3 submitters: Uncertain significance (2). 1 of the submissions does not count toward it. Last evaluated 2025-06-09.

Conditions:
PLXNA2-related disorder. Also called: PLXNA2-related condition.

Allele frequency attached by ClinVar (database versions not stated): gnomAD exomes 0.00001; ExAC 0.00002; gnomAD 0.00003 and 0.00004; TOPMed 0.00004.

Submissions (3):

Labcorp Genetics (formerly Invitae), Labcorp
Classification: Uncertain significance. Last evaluated: 2025-06-09. Review status: criteria provided, single submitter. Criteria: Invitae Variant Classification Sherloc (09022015). Collection method: clinical testing. Allele origin: germline.
Comment: This sequence change replaces isoleucine, which is neutral and non-polar, with threonine, which is neutral and polar, at codon 1892 of the PLXNA2 protein (p.Ile1892Thr). This variant is present in population databases (rs540998412, gnomAD 0.006%). This variant has not been reported in the literature in individuals affected with PLXNA2-related conditions. ClinVar contains an entry for this variant (Variation ID: 1362866). An algorithm developed to predict the effect of missense changes on protein structure and function (PolyPhen-2) suggests that this variant is likely to be tolerated. In summary, the available evidence is currently insufficient to determine the role of this variant in disease. Therefore, it has been classified as a Variant of Uncertain Significance.

Ambry Genetics
Classification: Uncertain significance. Last evaluated: 2024-01-03. Review status: criteria provided, single submitter. Criteria: Ambry Variant Classification Scheme 2023. Collection method: clinical testing. Allele origin: germline.

PreventionGenetics, part of Exact Sciences
Classification: Uncertain significance for PLXNA2-related condition. Last evaluated: 2024-07-26. Review status: no assertion criteria provided. Collection method: clinical testing. Allele origin: germline. Not counted in ClinVar's aggregate classification.
Comment: The PLXNA2 c.5675T>C variant is predicted to result in the amino acid substitution p.Ile1892Thr. To our knowledge, this variant has not been reported in the literature. This variant is reported in 0.0054% of alleles in individuals of East Asian descent in gnomAD. At this time, the clinical significance of this variant is uncertain due to the absence of conclusive functional and genetic evidence.

NM_025179.4(PLXNA2):c.5675T>C (p.Ile1892Thr)

Gene: PLXNA2 (plexin A2; minus strand). Cytogenetic location: 1q32.2.
Variant type: single nucleotide variant.
Coding change: c.5675T>C on transcript NM_025179.4 (MANE Select); coding-DNA position 5675, T replaced by C.
Protein change: p.Ile1892Thr; replaces isoleucine 1892 with threonine.
Molecular consequence: missense variant.
Genome position (GRCh38, 1-based): chr1:208,027,253, A>G on the plus strand (T>C on the coding strand, the complement: PLXNA2 is on the minus strand). VCF-style: chr1-208027253-A-G. GRCh37 (hg19) VCF-style: chr1-208200598-A-G.
Other names: c.5675T>C (NM_025179.3); short protein forms I1892T.
Identifiers: ClinVar variation 1362866 (VCV001362866.8), dbSNP rs540998412, ClinGen allele CA1372496.